The following is an entry in ClinVar:

NC_000003.12:g.(?_81490387)_(81761537_?)del

Genes: GBE1 (1,4-alpha-glucan branching enzyme 1; minus strand), LOC123002309 (Sharpr-MPRA regulatory region 13148; plus strand), LOC123002310 (Sharpr-MPRA regulatory region 3128; plus strand), LOC129937076 (ATAC-STARR-seq lymphoblastoid silent region 14538; plus strand), LOC129937077 (ATAC-STARR-seq lymphoblastoid active region 20107; plus strand) and 1 more. Cytogenetic location: 3p12.2.
Variant type: Deletion.
Identifiers: ClinVar variation 649642 (VCV000649642.1).

ClinVar aggregate classification (germline): Pathogenic (1 of 4 stars; one submission).

Conditions:
Glycogen storage disease IV, classic hepatic. Also called: GSD IV, CLASSIC HEPATIC. Identifiers: MedGen C1856301.
Glycogen storage disease, type IV (GSD4). Also called: Glycogen storage disease due to glycogen branching enzyme deficiency; AMYLOPECTINOSIS; ANDERSEN DISEASE; BRANCHER DEFICIENCY; CIRRHOSIS, FAMILIAL, WITH DEPOSITION OF ABNORMAL GLYCOGEN; GBE1 DEFICIENCY. Identifiers: Orphanet 367, MedGen C0017923, MONDO:0009292, OMIM 232500.

Submission:

Labcorp Genetics (formerly Invitae), Labcorp
Classification: Pathogenic for Glycogen storage disease, type IV; Glycogen storage disease IV, classic hepatic. Last evaluated: 2018-09-05. Review status: criteria provided, single submitter. Criteria: Invitae Variant Classification Sherloc (09022015). Collection method: clinical testing. Allele origin: germline.
Comment: A gross deletion of the genomic region encompassing the full coding sequence of the GBE1 gene has been identified. The boundaries of this event are unknown as the deletion extends beyond the assayed region for this gene and therefore may encompass additional genes. This variant has not been reported in the literature in GBE1-related conditions. Loss-of-function variants in GBE1 are known to be pathogenic (PMID: 9851430, 15452297, 20058079, 23034915). For these reasons, this variant has been classified as Pathogenic.